The following is an entry in ClinVar:

NM_004360.5(CDH1):c.7C>T (p.Pro3Ser)

Gene: CDH1 (cadherin 1; plus strand). Cytogenetic location: 16q22.1.
Variant type: single nucleotide variant.
Coding change: c.7C>T on transcript NM_004360.5 (MANE Select); coding-DNA position 7, C replaced by T.
Protein change: p.Pro3Ser; replaces proline 3 with serine.
Molecular consequence: missense variant. On other transcripts: 5 prime UTR variant (2).
Genome position (GRCh38, 1-based): chr16:68,737,422, C>T. VCF-style: chr16-68737422-C-T. GRCh37 (hg19) VCF-style: chr16-68771325-C-T.
Other names: c.7C>T (LRG_301t1); c.7C>T, p.Pro3Ser (NM_001317184.2); c.-1609C>T (NM_001317185.2); c.-1813C>T (NM_001317186.2); short protein forms P3S.
Identifiers: ClinVar variation 418111 (VCV000418111.18), dbSNP rs1064793079, ClinGen allele CA16620227.

ClinVar aggregate classification (germline): Uncertain significance. Review status: reviewed by expert panel (3 of 4 stars). 5 submissions from 5 submitters: Uncertain significance (1). 4 of the submissions do not count toward it. Last evaluated 2023-08-21.

Conditions:
CDH1-related diffuse gastric and lobular breast cancer syndrome. Also called: CDH1-related diffuse gastric and lobular breast cancer. Identifiers: MedGen CN311521, MONDO:0100488.
Hereditary cancer-predisposing syndrome. Also called: Tumor predisposition; Neoplastic Syndromes, Hereditary; Hereditary Cancer Syndrome; Hereditary neoplastic syndrome. Identifiers: Orphanet 140162, MedGen C0027672, MeSH D009386, MONDO:0015356.
Hereditary diffuse gastric adenocarcinoma (HDGC). Also called: DIFFUSE GASTRIC AND LOBULAR BREAST CANCER SYNDROME. Identifiers: Orphanet 26106, MedGen C1708349, MONDO:0007648, OMIM 137215.

Allele frequency attached by ClinVar (database versions not stated): gnomAD exomes below 0.00001.
gnomAD v4.1: 1 of 1,534,102 alleles (0.000065%); highest among the groups gnomAD compares: Non-Finnish European, 0.000087%; no homozygotes.

Submissions (5):

Clingen Gastric Cancer Variant Curation Expert Panel
Classification: Uncertain significance for CDH1-related diffuse gastric and lobular breast cancer syndrome. Last evaluated: 2023-08-21. Review status: reviewed by expert panel. Criteria: ClinGen CDH1 ACMG Specifications V3.1. Collection method: curation. Allele origin: germline. Inheritance: Autosomal dominant inheritance.
Comment: The c.7C>T (p.Pro3Ser) is absent from gnomAD (PM2_Supporting). In summary, the clinical significance of this variant is classified as a variant of uncertain significance based on ACMG/AMP criteria applied as specified by the CDH1 Variant Curation Expert Panel (Variant Interpretation Guidelines Version 3.1): PM2 _Supporting.

Color Diagnostics, LLC DBA Color Health
Classification: Uncertain significance for Hereditary cancer-predisposing syndrome. Last evaluated: 2025-12-16. Review status: criteria provided, single submitter. Criteria: ACMG Guidelines, 2015. Collection method: clinical testing. Allele origin: germline. Not counted in ClinVar's aggregate classification.
Comment: This missense variant replaces proline with serine at codon 3 of the CDH1 protein. To our knowledge, functional studies have not been reported for this variant. This variant has not been reported in individuals affected with CDH1-related disorders in the literature. This variant has not been identified in the general population by the Genome Aggregation Database (gnomAD). The available evidence is insufficient to determine the role of this variant in disease conclusively. Therefore, this variant is classified as a Variant of Uncertain Significance.

Ambry Genetics
Classification: Likely benign for Hereditary cancer-predisposing syndrome. Last evaluated: 2025-10-17. Review status: criteria provided, single submitter. Criteria: Ambry Variant Classification Scheme 2023. Collection method: clinical testing. Allele origin: germline. Not counted in ClinVar's aggregate classification.

Labcorp Genetics (formerly Invitae), Labcorp
Classification: Uncertain significance for Hereditary diffuse gastric adenocarcinoma. Last evaluated: 2025-10-03. Review status: criteria provided, single submitter. Criteria: Invitae Variant Classification Sherloc (09022015). Collection method: clinical testing. Allele origin: germline. Not counted in ClinVar's aggregate classification.
Comment: This sequence change replaces proline, which is neutral and non-polar, with serine, which is neutral and polar, at codon 3 of the CDH1 protein (p.Pro3Ser). This variant is not present in population databases (gnomAD no frequency). This variant has not been reported in the literature in individuals affected with CDH1-related conditions. ClinVar contains an entry for this variant (Variation ID: 418111). An algorithm developed to predict the effect of missense changes on protein structure and function outputs the following: PolyPhen-2: "Probably Damaging". The serine amino acid residue is found in multiple mammalian species, which suggests that this missense change does not adversely affect protein function. In summary, the available evidence is currently insufficient to determine the role of this variant in disease. Therefore, it has been classified as a Variant of Uncertain Significance.

GeneDx
Classification: Uncertain significance. Last evaluated: 2014-10-17. Review status: criteria provided, single submitter. Criteria: GeneDx Variant Classification (06012015). Collection method: clinical testing. Allele origin: germline. Affected: yes. Not counted in ClinVar's aggregate classification.
Comment: This variant is denoted CDH1 c.7C>T at the cDNA level, p.Pro3Ser (P3S) at the protein level, and results in the change of a Proline to a Serine (CCT>TCT). This variant has not, to our knowledge, been published in the literature as pathogenic or benign. CDH1 Pro3Ser was not observed in approximately 6,500 individuals of European and African American ancestry in the NHLBI Exome Sequencing Project, indicating it is not a common benign variant in these populations. Since Proline and Serine differ in polarity, charge, size or other properties, this is considered a non-conservative amino acid substitution. CDH1 Pro3Ser occurs at a position that is poorly conserved across species and is located in the signal peptide domain (UniProt). In silico analyses predict that this variant is unlikely to alter protein structure or function. Based on currently available information, it is unclear whether CDH1 Pro3Ser is pathogenic or benign. We consider it to be a variant of uncertain significance.